The following is an entry in ClinVar:

ClinVar aggregate classification (germline): Conflicting classifications of pathogenicity. Review status: criteria provided, conflicting classifications (1 of 4 stars). 2 submissions from 2 submitters: Uncertain significance (1); Likely benign (1). Last evaluated 2025-05-27.

Conditions:
Kabuki syndrome 2 (KABUK2). Also called: KDM6A-Related Kabuki Syndrome. Identifiers: Orphanet 2322, MedGen C3275495, MONDO:0010465, OMIM 300867.

gnomAD v4.1: 8 of 1,181,845 alleles (0.00068%); highest among the groups gnomAD compares: Non-Finnish European, 0.00081%; no homozygotes.

Submissions (2):

Labcorp Genetics (formerly Invitae), Labcorp
Classification: Likely benign for Kabuki syndrome 2. Last evaluated: 2025-05-27. Review status: criteria provided, single submitter. Criteria: Invitae Variant Classification Sherloc (09022015). Collection method: clinical testing. Allele origin: germline.

GeneDx
Classification: Uncertain significance. Last evaluated: 2021-06-01. Review status: criteria provided, single submitter. Criteria: GeneDx Variant Classification Process June 2021. Collection method: clinical testing. Allele origin: germline. Affected: yes.
Comment: Has not been previously published as pathogenic or benign to our knowledge; Not observed at significant frequency in large population cohorts (Lek et al., 2016); In-silico analysis, which includes splice predictors and evolutionary conservation, is inconclusive as to whether the variant alters gene splicing. In the absence of RNA/functional studies, the actual effect of this sequence change is unknown.; This variant is associated with the following publications: (PMID: 27535533)

NM_001291415.2(KDM6A):c.3095-6A>C

Gene: KDM6A (lysine demethylase 6A; plus strand). Cytogenetic location: Xp11.3.
Variant type: single nucleotide variant.
Coding change: c.3095-6A>C on transcript NM_001291415.2 (MANE Select); 6 bases into the intron before coding-DNA position 3095, A replaced by C.
Molecular consequence: intron variant.
Genome position (GRCh38, 1-based): chrX:45,079,140, A>C. VCF-style: chrX-45079140-A-C. GRCh37 (hg19) VCF-style: chrX-44938385-A-C.
Other names: c.2939-6A>C (NM_021140.4); c.2960-6A>C (NM_001291416.2); c.2804-6A>C (NM_001291417.2); c.2702-6A>C (NM_001291418.2); c.2051-6A>C (NM_001291421.2).
Identifiers: ClinVar variation 1209502 (VCV001209502.11), dbSNP rs2148117604, ClinGen allele CA2499226726.